The following is an entry in ClinVar:

ClinVar aggregate classification (germline): Conflicting classifications of pathogenicity. Review status: criteria provided, conflicting classifications (1 of 4 stars). 4 submissions from 4 submitters: Pathogenic (1); Likely pathogenic (2); Uncertain significance (1). Last evaluated 2025-06-26.

Conditions:
POLE-related disorder. Also called: POLE-related condition; POLE-related disorders.
Hereditary cancer-predisposing syndrome. Also called: Tumor predisposition; Hereditary Cancer Syndrome; Hereditary neoplastic syndrome; Neoplastic Syndromes, Hereditary. Identifiers: Orphanet 140162, MedGen C0027672, MeSH D009386, MONDO:0015356.

Allele frequency attached by ClinVar (database versions not stated): gnomAD exomes below 0.00001; gnomAD 0.00001; TOPMed 0.00001.

Submissions (4):

Ambry Genetics
Classification: Uncertain significance for Hereditary cancer-predisposing syndrome. Last evaluated: 2025-06-26. Review status: criteria provided, single submitter. Criteria: Ambry Variant Classification Scheme 2023. Collection method: clinical testing. Allele origin: germline.
Comment: The c.6418delG variant, located in coding exon 46 of the POLE gene, results from a deletion of one nucleotide at nucleotide position 6418, causing a translational frameshift with a predicted alternate stop codon (p.E2140Rfs*62). This alteration is expected to result in loss of function by premature protein truncation or nonsense-mediated mRNA decay. Although biallelic loss of function of POLE has been associated with autosomal recessive POLE deficiency, haploinsufficiency of POLE has not been established as a mechanism of disease for POLE-related polymerase proofreading-associated polyposis (PPAP) and POLE-related CMMRD-like syndrome. Based on the supporting evidence, this variant is expected to be causative of POLE deficiency when present along with a second pathogenic variant on the other allele; however, its clinical significance for PPAP and POLE-related CMMRD-like syndrome is unclear.

Labcorp Genetics (formerly Invitae), Labcorp
Classification: Pathogenic. Last evaluated: 2025-01-15. Review status: criteria provided, single submitter. Criteria: Invitae Variant Classification Sherloc (09022015). Collection method: clinical testing. Allele origin: germline.
Comment: This sequence change creates a premature translational stop signal (p.Glu2140Argfs*62) in the POLE gene. It is expected to result in an absent or disrupted protein product. Loss-of-function variants in POLE are known to be pathogenic (PMID: 23230001, 25948378, 30503519). This variant is not present in population databases (gnomAD no frequency). This variant has not been reported in the literature in individuals affected with POLE-related conditions. ClinVar contains an entry for this variant (Variation ID: 420792). For these reasons, this variant has been classified as Pathogenic.

Blueprint Genetics
Classification: Likely pathogenic for POLE-related disorders. Last evaluated: 2024-07-19. Review status: criteria provided, single submitter. Criteria: ACMG Guidelines, 2015. Collection method: clinical testing. Allele origin: germline. Affected: yes. Observed: 3 variant alleles.

GeneDx
Classification: Likely pathogenic. Last evaluated: 2022-09-27. Review status: criteria provided, single submitter. Criteria: GeneDx Variant Classification Process June 2021. Collection method: clinical testing. Allele origin: germline. Affected: yes.
Comment: Frameshift variant predicted to result in protein truncation or nonsense mediated decay in a gene for which loss of function is a known mechanism of disease; Not observed at significant frequency in large population cohorts (gnomAD); Has not been previously published as pathogenic or benign to our knowledge

Literature cited by the submitters: PubMed 23230001 (cited by Labcorp Genetics (formerly Invitae), Labcorp); PubMed 25948378 (cited by Labcorp Genetics (formerly Invitae), Labcorp); PubMed 30503519 (cited by Labcorp Genetics (formerly Invitae), Labcorp).

NM_006231.4(POLE):c.6418del (p.Glu2140fs)

Gene: POLE (DNA polymerase epsilon, catalytic subunit; minus strand). Cytogenetic location: 12q24.33.
Variant type: Deletion.
Coding change: c.6418del on transcript NM_006231.4 (MANE Select); coding-DNA position 6418, one base deleted (G; older notation c.6418delG).
Protein change: p.Glu2140fs; shifts the reading frame from glutamic acid 2140.
Molecular consequence: frameshift variant.
Genome position (GRCh38, 1-based): chr12:132,626,230, C deleted on the plus strand (G on the coding strand, the reverse complement: POLE is on the minus strand). VCF-style (leftmost placement, unchanged base first): chr12-132626229-TC-T. GRCh37 (hg19) VCF-style: chr12-133202815-TC-T.
Other names: c.6418delG (NM_006231.2); short protein forms E2140fs.
Identifiers: ClinVar variation 420792 (VCV000420792.15), dbSNP rs1064794703, ClinGen allele CA16619456.